The following is an entry in ClinVar:

ClinVar aggregate classification (germline): Pathogenic/Likely pathogenic. Review status: criteria provided, multiple submitters, no conflicts (2 of 4 stars). 2 submissions from 2 submitters: Pathogenic (1); Likely pathogenic (1). Last evaluated 2021-05-06.

Conditions:
Mitochondrial disease. Also called: Mitochondrial disorder; Mitochondrial disorders. Identifiers: Orphanet 68380, MedGen C0751651, MeSH D028361, MONDO:0044970.
POLG-related disorder. Also called: POLG-related condition; POLG-Related Disorders; POLG-Related Spectrum Disorders. Identifiers: MedGen C4763519.

Submissions (2):

Victorian Clinical Genetics Services, Murdoch Childrens Research Institute
Classification: Pathogenic for Mitochondrial disease. Last evaluated: 2021-05-06. Review status: criteria provided, single submitter. Criteria: ACMG Guidelines, 2015. Collection method: clinical testing. Allele origin: germline.
Comment: Based on the classification scheme VCGS_Germline_v1.3.4, this variant is classified as Pathogenic. Following criteria are met: 0102 - Loss of function is a known mechanism of disease in this gene and is associated with POLG-related mitochondrial disorder. (I) 0108 - This gene is associated with both recessive and dominant disease (OMIM). (I) 0115 - Variants in this gene are known to have variable expressivity (PMID: 30423451). (I) 0201 - Variant is predicted to cause nonsense-mediated decay (NMD) and loss of protein (premature termination codon is located at least 54 nucleotides upstream of the final exon-exon junction). (SP) 0251 - This variant is heterozygous. (I) 0301 - Variant is absent from gnomAD (both v2 and v3). (SP) 0701 - Other NMD predicted variants comparable to the one identified in this case have very strong previous evidence for pathogenicity (ClinVar, DECIPHER). (SP) 0807 - This variant has no previous evidence of pathogenicity. (I) 0905 - No published segregation evidence has been identified for this variant. (I) 1007 - No published functional evidence has been identified for this variant. (I) 1208 - Inheritance information for this variant is not currently available in this individual. (I) Legend: (SP) - Supporting pathogenic, (I) - Information, (SB) - Supporting benign

Blueprint Genetics
Classification: Likely pathogenic for POLG-related disorders. Last evaluated: 2020-04-09. Review status: criteria provided, single submitter. Criteria: ACMG Guidelines, 2015. Collection method: clinical testing. Allele origin: germline. Affected: yes. Observed: 2 variant alleles.

Literature cited by the submitters: PubMed 30423451 (cited by Victorian Clinical Genetics Services, Murdoch Childrens Research Institute).

NM_002693.3(POLG):c.38_60del (p.Thr13fs)

Genes: POLG (DNA polymerase gamma, catalytic subunit; minus strand), POLGARF (POLG alternative reading frame; minus strand). Cytogenetic location: 15q26.1.
Variant type: Deletion.
Coding change: c.38_60del on transcript NM_002693.3 (MANE Select); coding-DNA positions 38 to 60, 23 bases deleted (CCGTCGGGCCAGGGCCGGTTCCA).
Protein change: p.Thr13fs; shifts the reading frame from threonine 13.
Molecular consequence: frameshift variant.
Genome position (GRCh38, 1-based): chr15:89,333,695-89,333,717, TGGAACCGGCCCTGGCCCGACGG deleted on the plus strand (CCGTCGGGCCAGGGCCGGTTCCA on the coding strand, the reverse complement: POLG is on the minus strand); deleting any 23 consecutive bases within chr15:89,333,695-89,333,720 gives the same sequence; the c. name uses the placement nearest the transcript's 3' end. VCF-style (leftmost placement, unchanged base first): chr15-89333694-CTGGAACCGGCCCTGGCCCGACGG-C. GRCh37 (hg19) VCF-style: chr15-89876925-CTGGAACCGGCCCTGGCCCGACGG-C.
Other names: c.93_115del, p.His31fs (NM_001430120.1); c.38_60del, p.Thr13fs (NM_001126131.2); c.35_57del23, p.Thr13Serfs (NM_002693.2); short protein forms H31fs, T13fs.
Identifiers: ClinVar variation 3377427 (VCV003377427.2).